The following is an entry in ClinVar:

ClinVar aggregate classification (germline): Conflicting classifications of pathogenicity. Review status: criteria provided, conflicting classifications (1 of 4 stars). 4 submissions from 4 submitters: Uncertain significance (2); Likely benign (2). Last evaluated 2025-07-25.

Conditions:
Myofibrillar myopathy 5. Also called: Filaminopathy (type); FILAMINOPATHY, AUTOSOMAL DOMINANT. Identifiers: Orphanet 171445, MedGen C1836050, MONDO:0012289, OMIM 609524.
Distal myopathy with posterior leg and anterior hand involvement. Also called: WILLIAMS DISTAL MYOPATHY. Identifiers: Orphanet 63273, MedGen C3279722, MONDO:0013550, OMIM 614065.
Hypertrophic cardiomyopathy 26. Also called: Cardiomyopathy, familial hypertrophic, 26. Identifiers: Orphanet 75249, MedGen C4310749, MONDO:0014883, OMIM 617047.
Cardiovascular phenotype. Identifiers: MedGen CN230736.

Allele frequency attached by ClinVar (database versions not stated): TOPMed below 0.00001; ExAC 0.00001; gnomAD 0.00002 and 0.00003; gnomAD exomes 0.00002.
gnomAD v4.1: 39 of 1,613,616 alleles (0.0024%); highest among the groups gnomAD compares: Middle Eastern, 0.016%; no homozygotes.

Submissions (4):

Labcorp Genetics (formerly Invitae), Labcorp
Classification: Likely benign for Distal myopathy with posterior leg and anterior hand involvement; Myofibrillar myopathy 5; Hypertrophic cardiomyopathy 26. Last evaluated: 2025-07-25. Review status: criteria provided, single submitter. Criteria: Invitae Variant Classification Sherloc (09022015). Collection method: clinical testing. Allele origin: germline.

Blueprint Genetics
Classification: Likely benign. Last evaluated: 2024-11-11. Review status: criteria provided, single submitter. Criteria: ACMG Guidelines, 2015. Collection method: clinical testing. Allele origin: germline.

Ambry Genetics
Classification: Uncertain significance for Cardiovascular phenotype. Last evaluated: 2023-06-29. Review status: criteria provided, single submitter. Criteria: Ambry Variant Classification Scheme 2023. Collection method: clinical testing. Allele origin: germline.
Comment: The p.R1267Q variant (also known as c.3800G>A), located in coding exon 22 of the FLNC gene, results from a G to A substitution at nucleotide position 3800. The arginine at codon 1267 is replaced by glutamine, an amino acid with highly similar properties. This amino acid position is highly conserved in available vertebrate species. In addition, this alteration is predicted to be deleterious by in silico analysis. Since supporting evidence is limited at this time, the clinical significance of this alteration remains unclear.

Revvity Omics, Revvity
Classification: Uncertain significance. Last evaluated: 2022-06-13. Review status: criteria provided, single submitter. Criteria: ACMG Guidelines, 2015. Collection method: clinical testing. Allele origin: germline.

NM_001458.5(FLNC):c.3800G>A (p.Arg1267Gln)

Gene: FLNC (filamin C; plus strand). Cytogenetic location: 7q32.1.
Variant type: single nucleotide variant.
Coding change: c.3800G>A on transcript NM_001458.5 (MANE Select); coding-DNA position 3800, G replaced by A.
Protein change: p.Arg1267Gln; replaces arginine 1267 with glutamine.
Molecular consequence: missense variant.
Genome position (GRCh38, 1-based): chr7:128,845,999, G>A. VCF-style: chr7-128845999-G-A. GRCh37 (hg19) VCF-style: chr7-128486053-G-A.
Other names: c.3800G>A, p.Arg1267Gln (NM_001127487.2); short protein forms R1267Q.
Identifiers: ClinVar variation 539409 (VCV000539409.13), dbSNP rs768767784, ClinGen allele CA4475147.